The following is an entry in ClinVar:

ClinVar aggregate classification (germline): Uncertain significance. Review status: criteria provided, multiple submitters, no conflicts (2 of 4 stars). 2 submissions from 2 submitters: Uncertain significance (2). Last evaluated 2025-02-25.

Conditions:
Ataxia-telangiectasia syndrome (AT). Also called: LOUIS-BAR SYNDROME; Ataxia-telangiectasia, complementation group D; ATAXIA-TELANGIECTASIA, COMPLEMENTATION GROUP A; ATAXIA-TELANGIECTASIA, FRESNO VARIANT; Ataxia-telangiectasia; Ataxia telangiectasia (A-T). Identifiers: Orphanet 100, MedGen C0004135, MONDO:0008840, OMIM 208900.
Hereditary cancer-predisposing syndrome. Also called: Neoplastic Syndromes, Hereditary; Tumor predisposition; Hereditary Cancer Syndrome; Hereditary neoplastic syndrome. Identifiers: Orphanet 140162, MedGen C0027672, MeSH D009386, MONDO:0015356.

Submissions (2):

Ambry Genetics
Classification: Uncertain significance for Hereditary cancer-predisposing syndrome. Last evaluated: 2025-02-25. Review status: criteria provided, single submitter. Criteria: Ambry Variant Classification Scheme 2023. Collection method: clinical testing. Allele origin: germline.
Comment: The p.I815S variant (also known as c.2444T>G), located in coding exon 15 of the ATM gene, results from a T to G substitution at nucleotide position 2444. The isoleucine at codon 815 is replaced by serine, an amino acid with dissimilar properties. This amino acid position is conserved. In addition, the in silico prediction for this alteration is inconclusive. Based on the available evidence, the clinical significance of this variant remains unclear.

Labcorp Genetics (formerly Invitae), Labcorp
Classification: Uncertain significance for Ataxia-telangiectasia syndrome. Last evaluated: 2023-02-01. Review status: criteria provided, single submitter. Criteria: Invitae Variant Classification Sherloc (09022015). Collection method: clinical testing. Allele origin: germline.
Comment: This variant is not present in population databases (gnomAD no frequency). In summary, the available evidence is currently insufficient to determine the role of this variant in disease. Therefore, it has been classified as a Variant of Uncertain Significance. Algorithms developed to predict the effect of missense changes on protein structure and function are either unavailable or do not agree on the potential impact of this missense change (SIFT: "Deleterious"; PolyPhen-2: "Benign"; Align-GVGD: "Class C65"). This variant has not been reported in the literature in individuals affected with ATM-related conditions. This sequence change replaces isoleucine, which is neutral and non-polar, with serine, which is neutral and polar, at codon 815 of the ATM protein (p.Ile815Ser).

NM_000051.4(ATM):c.2444T>G (p.Ile815Ser)

Gene: ATM (ATM serine/threonine kinase; plus strand). Cytogenetic location: 11q22.3.
Variant type: single nucleotide variant.
Coding change: c.2444T>G on transcript NM_000051.4 (MANE Select); coding-DNA position 2444, T replaced by G.
Protein change: p.Ile815Ser; replaces isoleucine 815 with serine.
Molecular consequence: missense variant.
Genome position (GRCh38, 1-based): chr11:108,259,053, T>G. VCF-style: chr11-108259053-T-G. GRCh37 (hg19) VCF-style: chr11-108129780-T-G.
Other names: c.2444T>G, p.Ile815Ser (NM_001351834.2); short protein forms I815S.
Identifiers: ClinVar variation 2833377 (VCV002833377.4), dbSNP rs2135422030, ClinGen allele CA382541343.